The following is an entry in ClinVar:

ClinVar aggregate classification (germline): Pathogenic. Review status: criteria provided, multiple submitters, no conflicts (2 of 4 stars). 2 submissions from 2 submitters: Pathogenic (2). Last evaluated 2026-09-08.

Conditions:
Fabry disease. Also called: Ceramide trihexosidosis; ALPHA-GALACTOSIDASE A DEFICIENCY; ANDERSON-FABRY DISEASE; CERAMIDE TRIHEXOSIDASE DEFICIENCY; GLA DEFICIENCY; HEREDITARY DYSTOPIC LIPIDOSIS. Identifiers: Orphanet 324, MedGen C0002986, MONDO:0010526, OMIM 301500, HP:0001071. Disease mechanism: Fabry disease is due to inactivating mutations in the X-linked GLA gene resulting in deficiency of the enzyme Alpha Galactosidase-A., loss of function.

Submissions (2):

Genomenon, Inc
Classification: Pathogenic for Fabry disease. Last evaluated: 2026-09-08. Review status: criteria provided, single submitter. Criteria: Genomenon Sequence Variant Interpretation Standards - Updated. Collection method: curation. Allele origin: germline. Affected: yes.
Comment: GLA p.Gly43Arg (c.127G>C) is a missense variant that changes the amino acid at codon 43 from Glycine to Arginine. This variant has been observed in at least one proband with clinical features consistent with Fabry disease (PMID:12428061;19285316;18937048;17224688). At least one functional study has demonstrated a substantial alteration in protein function relative to the wild-type (PMID:27657681). This variant is located in a mutational hotspot and/or important functional domain. It is absent or not present at a significant frequency in gnomAD. In silico models predict that this variant is possibly or probably damaging. In conclusion, we classify GLA p.Gly43Arg (c.127G>C) as a pathogenic variant.

Labcorp Genetics (formerly Invitae), Labcorp
Classification: Pathogenic for Fabry disease. Last evaluated: 2021-08-27. Review status: criteria provided, single submitter. Criteria: Invitae Variant Classification Sherloc (09022015). Collection method: clinical testing. Allele origin: germline.
Comment: Algorithms developed to predict the effect of missense changes on protein structure and function (SIFT, PolyPhen-2, Align-GVGD) all suggest that this variant is likely to be disruptive. This sequence change replaces glycine with arginine at codon 43 of the GLA protein (p.Gly43Arg). The glycine residue is highly conserved and there is a moderate physicochemical difference between glycine and arginine. This variant is not present in population databases (ExAC no frequency). For these reasons, this variant has been classified as Pathogenic. This variant disrupts the p.Gly43 amino acid residue in GLA. Other variant(s) that disrupt this residue have been observed in individuals with GLA-related conditions (PMID: 12175777), which suggests that this may be a clinically significant amino acid residue. This missense change has been observed in individual(s) with Fabry disease (PMID: 12428061, 19285316).

Literature cited by the submitters: PubMed 12428061 (cited by Genomenon, Inc and Labcorp Genetics (formerly Invitae), Labcorp); PubMed 19285316 (cited by Genomenon, Inc and Labcorp Genetics (formerly Invitae), Labcorp); PubMed 18937048 (cited by Genomenon, Inc); PubMed 17224688 (cited by Genomenon, Inc); PubMed 27657681 (cited by Genomenon, Inc); PubMed 12175777 (cited by Labcorp Genetics (formerly Invitae), Labcorp).

NM_000169.3(GLA):c.127G>C (p.Gly43Arg)

Genes: GLA (galactosidase alpha; minus strand), RPL36A-HNRNPH2 (RPL36A-HNRNPH2 readthrough; plus strand). Cytogenetic location: Xq22.1.
Variant type: single nucleotide variant.
Coding change: c.127G>C on transcript NM_000169.3 (MANE Select); coding-DNA position 127, G replaced by C.
Protein change: p.Gly43Arg; replaces glycine 43 with arginine.
Molecular consequence: missense variant. On other transcripts: non-coding transcript variant (3), intron variant (2).
Genome position (GRCh38, 1-based): chrX:101,407,777, C>G on the plus strand (G>C on the coding strand, the complement: GLA is on the minus strand). VCF-style: chrX-101407777-C-G. GRCh37 (hg19) VCF-style: chrX-100662765-C-G.
Other names: c.127G>C, p.Gly43Arg (NM_001406747.1, NM_001406748.1, NM_001406749.1); c.301-4159C>G (NM_001199973.2); c.178-4159C>G (NM_001199974.2); short protein forms G43R.
Identifiers: ClinVar variation 1458078 (VCV001458078.8), dbSNP rs886044906, ClinGen allele CA413937174.
Genomic context (GRCh38, chrX:101,407,777, plus strand): 5'-AGGAATCTGGCTCTTCCTGGCAGTCAAGGTTGCACATGAAGCGCTCCCAGTGCAGCCAGC[C>G]CATGGTAGGCGTCCTTGCCAATCCATTGTCCAGTGCTCTAGCCCCAGGGATGTCCCAGGA-3'
Protein context (NP_000160.1, residues 33-53): DNGLARTPTM[Gly43Arg]WLHWERFMCN